The following is an entry in ClinVar:

NM_001009944.3(PKD1):c.3854G>A (p.Arg1285Gln)

Gene: PKD1 (polycystin 1, transient receptor potential channel interacting; minus strand). Cytogenetic location: 16p13.3.
Variant type: single nucleotide variant.
Coding change: c.3854G>A on transcript NM_001009944.3 (MANE Select); coding-DNA position 3854, G replaced by A.
Protein change: p.Arg1285Gln; replaces arginine 1285 with glutamine.
Molecular consequence: missense variant.
Genome position (GRCh38, 1-based): chr16:2,111,313, C>T on the plus strand (G>A on the coding strand, the complement: PKD1 is on the minus strand). VCF-style: chr16-2111313-C-T. GRCh37 (hg19) VCF-style: chr16-2161314-C-T.
Other names: c.3854G>A (NM_000296.3); c.3854G>A, p.Arg1285Gln (NM_000296.4); short protein forms R1285Q.
Identifiers: ClinVar variation 3029874 (VCV003029874.7), dbSNP rs368189158, ClinGen allele CA7832611.

ClinVar aggregate classification (germline): Conflicting classifications of pathogenicity. Review status: criteria provided, conflicting classifications (1 of 4 stars). 5 submissions from 5 submitters: Uncertain significance (3); Likely benign (2). Last evaluated 2025-09-24.

Conditions:
PKD1-related disorder. Also called: PKD1-related condition.
Inborn genetic diseases. Identifiers: MedGen C0950123, MeSH D030342.
Polycystic kidney disease, adult type (PKD1). Also called: POLYCYSTIC KIDNEY DISEASE, ADULT, TYPE I; Polycystic Kidney Disease 1, Autosomal Dominant; Polycystic kidney disease 1; Polycystic kidney disease 1, severe; Polycystic Kidney, Autosomal Dominant; POLYCYSTIC KIDNEY DISEASE 1 WITH OR WITHOUT POLYCYSTIC LIVER DISEASE. Identifiers: MedGen C3149841, MONDO:0008263, OMIM 173900.

Allele frequency attached by ClinVar (database versions not stated): gnomAD 0.00010; gnomAD exomes 0.00014; ESP Exome Variant Server 0.00016; TOPMed 0.00016; ExAC 0.00017.
gnomAD v4.1: 220 of 1,608,660 alleles (0.014%); highest among the groups gnomAD compares: South Asian, 0.036%; no homozygotes.

Submissions (5):

PreventionGenetics, part of Exact Sciences
Classification: Uncertain significance for PKD1-related condition. Last evaluated: 2025-09-24. Review status: criteria provided, single submitter. Criteria: ACMG Guidelines, 2015. Collection method: clinical testing. Allele origin: germline.
Comment: The PKD1 c.3854G>A variant is predicted to result in the amino acid substitution p.Arg1285Gln. This variant has been reported in an individual with mild and atypical autosomal dominant polycystic kidney disease (ADPKD), but the clinical significance was unknown (Chang et al. 2022. PubMed ID: 36573973). This variant is reported in 0.033% of alleles in individuals of South Asian descent in gnomAD. Of note, at this codon in several species is a glutamine (Gln) including rat, mouse and macaque. At this time, the clinical significance of this variant is uncertain due to the absence of conclusive functional and genetic evidence.

GeneDx
Classification: Uncertain significance. Last evaluated: 2025-05-11. Review status: criteria provided, single submitter. Criteria: GeneDx Variant Classification Process June 2021. Collection method: clinical testing. Allele origin: germline. Affected: yes.
Comment: In silico analysis suggests that this missense variant does not alter protein structure/function; Has not been previously published as pathogenic or benign to our knowledge

Ambry Genetics
Classification: Likely benign for Inborn genetic diseases. Last evaluated: 2024-05-08. Review status: criteria provided, single submitter. Criteria: Ambry Variant Classification Scheme 2023. Collection method: clinical testing. Allele origin: germline.

Blueprint Genetics
Classification: Likely benign. Last evaluated: 2023-11-01. Review status: criteria provided, single submitter. Criteria: ACMG Guidelines, 2015. Collection method: clinical testing. Allele origin: germline.

Department of Pathology and Laboratory Medicine, Sinai Health System
Classification: Uncertain significance for Polycystic kidney disease, adult type. Last evaluated: 2021-02-09. Review status: criteria provided, single submitter. Criteria: ACMG Guidelines, 2015. Collection method: clinical testing. Allele origin: germline. Affected: yes.